The following is an entry in ClinVar:

NM_130849.4(SLC39A4):c.1149+1G>T

Gene: SLC39A4 (solute carrier family 39 member 4; minus strand). Cytogenetic location: 8q24.3.
Variant type: single nucleotide variant.
Coding change: c.1149+1G>T on transcript NM_130849.4 (MANE Select); the canonical splice donor site of the intron after coding-DNA position 1149, G replaced by T.
Molecular consequence: splice donor variant.
Genome position (GRCh38, 1-based): chr8:144,414,261, C>A on the plus strand (G>T on the coding strand, the complement: SLC39A4 is on the minus strand). VCF-style: chr8-144414261-C-A. GRCh37 (hg19) VCF-style: chr8-145639645-C-A.
Other names: c.867+1G>T (NM_001374839.1); c.1074+1G>T (NM_017767.3).
Identifiers: ClinVar variation 2759353 (VCV002759353.3), dbSNP rs2537431679, ClinGen allele CA372621073.

ClinVar aggregate classification (germline): Likely pathogenic (1 of 4 stars; one submission).

Submission:

Labcorp Genetics (formerly Invitae), Labcorp
Classification: Likely pathogenic. Last evaluated: 2023-09-09. Review status: criteria provided, single submitter. Criteria: Invitae Variant Classification Sherloc (09022015). Collection method: clinical testing. Allele origin: germline.
Comment: In summary, the currently available evidence indicates that the variant is pathogenic, but additional data are needed to prove that conclusively. Therefore, this variant has been classified as Likely Pathogenic. Algorithms developed to predict the effect of sequence changes on RNA splicing suggest that this variant may disrupt the consensus splice site. This variant has not been reported in the literature in individuals affected with SLC39A4-related conditions. This variant is not present in population databases (gnomAD no frequency). This sequence change affects a donor splice site in intron 6 of the SLC39A4 gene. It is expected to disrupt RNA splicing. Variants that disrupt the donor or acceptor splice site typically lead to a loss of protein function (PMID: 16199547), and loss-of-function variants in SLC39A4 are known to be pathogenic (PMID: 12955721).

Literature cited by the submitters: PubMed 16199547; PubMed 12955721.